The following is an entry in ClinVar:

ClinVar aggregate classification (germline): Uncertain significance (1 of 4 stars; one submission).

Conditions:
Neuronal ceroid lipofuscinosis 13 (CLN13). Also called: CLN13 Disease; CEROID LIPOFUSCINOSIS, NEURONAL, 13 (KUFS TYPE). Identifiers: Orphanet 352709, Orphanet 79262, MedGen C3715049, MONDO:0014147, OMIM 615362.

gnomAD v4.1: 1 of 1,613,370 alleles (0.000062%); no homozygotes.

Submission:

Labcorp Genetics (formerly Invitae), Labcorp
Classification: Uncertain significance for Neuronal ceroid lipofuscinosis 13. Last evaluated: 2024-12-20. Review status: criteria provided, single submitter. Criteria: Invitae Variant Classification Sherloc (09022015). Collection method: clinical testing. Allele origin: germline.
Comment: This sequence change falls in intron 8 of the CTSF gene. It does not directly change the encoded amino acid sequence of the CTSF protein. It affects a nucleotide within the consensus splice site. This variant is not present in population databases (gnomAD no frequency). This variant has not been reported in the literature in individuals affected with CTSF-related conditions. Variants that disrupt the consensus splice site are a relatively common cause of aberrant splicing (PMID: 17576681, 9536098). Algorithms developed to predict the effect of sequence changes on RNA splicing suggest that this variant is not likely to affect RNA splicing. In summary, the available evidence is currently insufficient to determine the role of this variant in disease. Therefore, it has been classified as a Variant of Uncertain Significance.

Literature cited by the submitters: PubMed 17576681; PubMed 9536098.

NM_003793.4(CTSF):c.1045+4T>G

Gene: CTSF (cathepsin F; minus strand). Cytogenetic location: 11q13.2.
Variant type: single nucleotide variant.
Coding change: c.1045+4T>G on transcript NM_003793.4 (MANE Select); 4 bases into the intron after coding-DNA position 1045, T replaced by G.
Molecular consequence: intron variant.
Genome position (GRCh38, 1-based): chr11:66,565,667, A>C on the plus strand (T>G on the coding strand, the complement: CTSF is on the minus strand). VCF-style: chr11-66565667-A-C. GRCh37 (hg19) VCF-style: chr11-66333138-A-C.
Identifiers: ClinVar variation 3726907 (VCV003726907.1).